The following is an entry in ClinVar:

ClinVar aggregate classification (germline): Benign (0 of 4 stars; one submission).

Conditions:
PIP5K1C-related disorder. Also called: PIP5K1C-related condition.

Allele frequency attached by ClinVar (database versions not stated): ExAC 0.00098; 1000 Genomes Project 30x 0.00453; 1000 Genomes Project 0.00479.
gnomAD v4.1: 1,085 of 1,535,674 alleles (0.071%); highest among the groups gnomAD compares: East Asian, 2.1%; 13 homozygotes.

Submission:

PreventionGenetics, part of Exact Sciences
Classification: Benign for PIP5K1C-related condition. Last evaluated: 2019-06-25. Review status: no assertion criteria provided. Collection method: clinical testing. Allele origin: germline.
Comment: This variant is classified as benign based on ACMG/AMP sequence variant interpretation guidelines (Richards et al. 2015 PMID: 25741868, with internal and published modifications).

NM_012398.3(PIP5K1C):c.1920+1422G>T

Gene: PIP5K1C (phosphatidylinositol-4-phosphate 5-kinase type 1 gamma; minus strand). Cytogenetic location: 19p13.3.
Variant type: single nucleotide variant.
Coding change: c.1920+1422G>T on transcript NM_012398.3 (MANE Select); 1422 bases into the intron after coding-DNA position 1920, G replaced by T.
Molecular consequence: intron variant. On other transcripts: missense variant (1).
Genome position (GRCh38, 1-based): chr19:3,637,462, C>A on the plus strand (G>T on the coding strand, the complement: PIP5K1C is on the minus strand). VCF-style: chr19-3637462-C-A. GRCh37 (hg19) VCF-style: chr19-3637460-C-A.
Other names: c.2072G>T, p.Arg691Leu (NM_001300849.2); c.1920+1422G>T (NM_001195733.2); short protein forms R691L.
Identifiers: ClinVar variation 3059157 (VCV003059157.2), dbSNP rs138081265, ClinGen allele CA9081953.